The following is an entry in ClinVar:

ClinVar aggregate classification (germline): Uncertain significance (1 of 4 stars; one submission).

Submission:

GeneDx
Classification: Uncertain significance. Last evaluated: 2026-04-03. Review status: criteria provided, single submitter. Criteria: GeneDx Variant Classification Process June 2021. Collection method: clinical testing. Allele origin: germline.
Comment: Not observed at significant frequency in large population cohorts (gnomAD); In silico analysis supports that this missense variant has a deleterious effect on protein structure/function; Has not been previously published as pathogenic or benign to our knowledge

NM_001393504.1(MAST3):c.1501G>A (p.Ala501Thr)

Gene: MAST3 (microtubule associated serine/threonine kinase 3; plus strand). Cytogenetic location: 19p13.11.
Variant type: single nucleotide variant.
Coding change: c.1501G>A on transcript NM_001393504.1 (MANE Select); coding-DNA position 1501, G replaced by A.
Protein change: p.Ala501Thr; replaces alanine 501 with threonine.
Molecular consequence: missense variant.
Genome position (GRCh38, 1-based): chr19:18,131,977, G>A. VCF-style: chr19-18131977-G-A. GRCh37 (hg19) VCF-style: chr19-18242787-G-A.
Other names: c.1432G>A, p.Ala478Thr (NM_001393517.1, NM_001393518.1, NM_001393509.1 and 2 more transcripts); c.1429G>A, p.Ala477Thr (NM_001393519.1, NM_001393511.1); c.1411G>A, p.Ala471Thr (NM_001393520.1, NM_001393515.1); c.1387G>A, p.Ala463Thr (NM_001393521.1); c.1414G>A, p.Ala472Thr (NM_015016.2, NM_001393514.1); c.1435G>A, p.Ala479Thr (NM_001393508.1, NM_001393516.1); c.1453G>A, p.Ala485Thr (NM_001393513.1, NM_001393506.1); c.1525G>A, p.Ala509Thr (NM_001393501.1); and 4 more; short protein forms A463T, A471T, A472T, A477T, A478T, A479T, A485T, A494T.
Identifiers: ClinVar variation 5018085 (VCV005018085.1).
Genomic context (GRCh38, chr19:18,131,977, plus strand): 5'-TGCGCCACGCTCCTGAAGAACATGGGCCCGCTGCCCGTGGACATGGCCCGCCTGTACTTC[G>A]CCGAGACGGTGTTGGCGCTGGAGTACCTGCATAACTATGGCATCGTGCACCGTGACCTCA-3'
Protein context (NP_001380433.1, residues 491-511): LPVDMARLYF[Ala501Thr]ETVLALEYLH